The following is an entry in ClinVar:

NM_005816.5(CD96):c.794A>G (p.Asp265Gly)

Gene: CD96 (CD96 molecule; plus strand). Cytogenetic location: 3q13.13.
Variant type: single nucleotide variant.
Coding change: c.794A>G on transcript NM_005816.5 (MANE Select); coding-DNA position 794, A replaced by G.
Protein change: p.Asp265Gly; replaces aspartic acid 265 with glycine.
Molecular consequence: missense variant. On other transcripts: non-coding transcript variant (1).
Genome position (GRCh38, 1-based): chr3:111,585,365, A>G. VCF-style: chr3-111585365-A-G. GRCh37 (hg19) VCF-style: chr3-111304212-A-G.
Other names: c.794A>G, p.Asp265Gly (NM_001318889.2); c.842A>G, p.Asp281Gly (NM_198196.3); short protein forms D265G, D281G.
Identifiers: ClinVar variation 1028428 (VCV001028428.1), dbSNP rs1936662124, ClinGen allele CA353957694.
Genomic context (GRCh38, chr3:111,585,365, plus strand): 5'-GTTTTATTTGCCTTTAAGCTAAACCAGAAATCCCTGTGATTGTGGAAAATAACTCCACGG[A>G]TGTCTTGGTAGAGGTGAGTCACATAAAAGCCTTTGAAAATCTACAGTATTACATGTAAGG-3'
Protein context (NP_005807.1, residues 255-275): IPVIVENNST[Asp265Gly]VLVERRFTCL

ClinVar aggregate classification (germline): Uncertain significance (1 of 4 stars; one submission).

Conditions:
C syndrome. Also called: OPITZ TRIGONOCEPHALY SYNDROME; TRIGONOCEPHALY SYNDROME. Identifiers: Orphanet 1308, MedGen C0796095, MONDO:0008893, OMIM 211750.

Submission:

Baylor Genetics
Classification: Uncertain significance for C syndrome. Last evaluated: 2020-06-03. Review status: criteria provided, single submitter. Criteria: ACMG Guidelines, 2015. Collection method: clinical testing. Allele origin: unknown. Affected: yes.
Comment: This variant was determined to be of uncertain significance according to ACMG Guidelines, 2015 [PMID:25741868].